The following is an entry in ClinVar:

ClinVar aggregate classification (germline): Uncertain significance (1 of 4 stars; one submission).

Submission:

Women's Health and Genetics/Laboratory Corporation of America, LabCorp
Classification: Uncertain significance. Last evaluated: 2025-03-04. Review status: criteria provided, single submitter. Criteria: LabCorp Variant Classification Summary - May 2015. Collection method: clinical testing. Allele origin: germline.
Comment: Variant summary: ANKRD11 c.7834G>C (p.Glu2612Gln) results in a conservative amino acid change in the encoded protein sequence. Three of five in-silico tools predict a damaging effect of the variant on protein function. The variant was absent in 190460 control chromosomes. The available data on variant occurrences in the general population are insufficient to allow any conclusion about variant significance. To our knowledge, no occurrence of c.7834G>C in individuals affected with KBG Syndrome and no experimental evidence demonstrating its impact on protein function have been reported. No submitters have cited clinical-significance assessments for this variant to ClinVar. Based on the evidence outlined above, the variant was classified as uncertain significance.

NM_013275.6(ANKRD11):c.7834G>C (p.Glu2612Gln)

Gene: ANKRD11 (ankyrin repeat domain containing 11; minus strand). Cytogenetic location: 16q24.3.
Variant type: single nucleotide variant.
Coding change: c.7834G>C on transcript NM_013275.6 (MANE Select); coding-DNA position 7834, G replaced by C.
Protein change: p.Glu2612Gln; replaces glutamic acid 2612 with glutamine.
Molecular consequence: missense variant.
Genome position (GRCh38, 1-based): chr16:89,268,636, C>G on the plus strand (G>C on the coding strand, the complement: ANKRD11 is on the minus strand). VCF-style: chr16-89268636-C-G. GRCh37 (hg19) VCF-style: chr16-89335044-C-G.
Other names: c.7834G>C, p.Glu2612Gln (NM_001256182.2, NM_001256183.2); short protein forms E2612Q.
Identifiers: ClinVar variation 3895847 (VCV003895847.1).
Genomic context (GRCh38, chr16:89,268,636, plus strand): 5'-CCAGTTCCTGCACCTTCAGCTGCCACTCCATCCTCTGCACGGCGTTCAGGGCCGCGGCCT[C>G]GTGCTGCTGCCGCATGAGGAGGCAAGTCTGCGGGACACACAGCGGGGAGAGGAGGGAGGA-3'
Protein context (NP_037407.4, residues 2602-2622): KTCLLMRQQH[Glu2612Gln]AAALNAVQRM